The following is an entry in ClinVar:

NM_000344.4(SMN1):c.13del (p.Ser5fs)

Gene: SMN1 (survival of motor neuron 1, telomeric). Cytogenetic location: 5q13.2.
Variant type: Deletion.
Coding change: c.13del on transcript NM_000344.4 (MANE Select); coding-DNA position 13, one base deleted.
Protein change: p.Ser5fs; shifts the reading frame from serine 5.
Molecular consequence: frameshift variant.
Genome position: GRCh38 VCF-style: chr5-70925115-CA-C. GRCh37 (hg19) VCF-style: chr5-70220942-CA-C.
Other names: c.13del, p.Ser5fs (NM_001297715.1, NM_022874.2); short protein forms S5fs.
Identifiers: ClinVar variation 3239630 (VCV003239630.2), dbSNP rs2532099835.

ClinVar aggregate classification (germline): Pathogenic (1 of 4 stars; one submission).

Conditions:
Kugelberg-Welander disease (SMA3). Also called: SPINAL MUSCULAR ATROPHY, TYPE III; Juvenile Spinal Muscular Atrophy; SMA III; SPINAL MUSCULAR ATROPHY, MILD CHILDHOOD AND ADOLESCENT FORM; KUGELBERG-WELANDER SYNDROME; MUSCULAR ATROPHY, JUVENILE. Identifiers: Orphanet 70, Orphanet 83419, MedGen C0152109, MONDO:0009672, OMIM 253400.

Submission:

DNA-diagnostics Laboratory, Research Centre For Medical Genetics
Classification: Pathogenic for Kugelberg-Welander disease. Last evaluated: 2024-06-04. Review status: criteria provided, single submitter. Criteria: ACMG Guidelines, 2015. Collection method: clinical testing. Allele origin: maternal. Inheritance: Autosomal recessive inheritance. Affected: yes. Observed: 1 compound heterozygote.
Comment: The Ser5Alafs*35 variant in the SMN1 gene fulfils the ACMG criteria:PM2, PVS1, PM3, PP4.